The following is an entry in ClinVar:

ClinVar aggregate classification (germline): Benign/Likely benign. Review status: criteria provided, multiple submitters, no conflicts (2 of 4 stars). 2 submissions from 2 submitters: Benign (1); Likely benign (1). Last evaluated 2022-05-04.

Conditions:
Inborn genetic diseases. Identifiers: MedGen C0950123, MeSH D030342.
Intellectual developmental disorder, X-linked 30. Also called: MENTAL RETARDATION, X-LINKED 47; Intellectual disability, X-linked 30. Identifiers: Orphanet 777, MedGen C0796237, MONDO:0010361, OMIM 300558.

Allele frequency attached by ClinVar (database versions not stated): ExAC 0.00005; TOPMed 0.00006; gnomAD 0.00008 and 0.00007; gnomAD exomes 0.00007 and 0.00014.
gnomAD v4.1: 164 of 1,190,423 alleles (0.014%); highest among the groups gnomAD compares: Non-Finnish European, 0.017%; no homozygotes.

Submissions (2):

Ambry Genetics
Classification: Likely benign for Inborn genetic diseases. Last evaluated: 2022-05-04. Review status: criteria provided, single submitter. Criteria: Ambry Variant Classification Scheme 2023. Collection method: clinical testing. Allele origin: germline.

Illumina Laboratory Services, Illumina
Classification: Benign for Intellectual developmental disorder, X-linked 30. Last evaluated: 2018-01-13. Review status: criteria provided, single submitter. Criteria: ICSL Variant Classification Criteria 13 December 2019. Collection method: clinical testing. Allele origin: germline.
Comment: This variant was observed in the ICSL laboratory as part of a predisposition screen in an ostensibly healthy population. It had not been previously curated by ICSL or reported in the Human Gene Mutation Database (HGMD: prior to June 1st, 2018), and was therefore a candidate for classification through an automated scoring system. Utilizing variant allele frequency, disease prevalence and penetrance estimates, and inheritance mode, an automated score was calculated to assess if this variant is too frequent to cause the disease. Based on the score and internal cut-off values, a variant classified as benign is not then subjected to further curation. The score for this variant resulted in a classification of benign for this disease.

NM_002578.5(PAK3):c.665C>A (p.Pro222Gln)

Gene: PAK3 (p21 (RAC1) activated kinase 3; plus strand). Cytogenetic location: Xq23.
Variant type: single nucleotide variant.
Coding change: c.665C>A on transcript NM_002578.5 (MANE Select); coding-DNA position 665, C replaced by A.
Protein change: p.Pro222Gln; replaces proline 222 with glutamine.
Molecular consequence: missense variant. On other transcripts: non-coding transcript variant (2).
Genome position (GRCh38, 1-based): chrX:111,163,626, C>A. VCF-style: chrX-111163626-C-A. GRCh37 (hg19) VCF-style: chrX-110406854-C-A.
Other names: c.665C>A, p.Pro222Gln (NM_001128166.3, NM_001128167.3, NM_001324325.2 and 5 more transcripts); c.773C>A, p.Pro258Gln (NM_001128168.3); c.728C>A, p.Pro243Gln (NM_001128172.2); c.710C>A, p.Pro237Gln (NM_001128173.3, NM_001324327.2, NM_001324328.2 and 2 more transcripts); short protein forms P222Q, P243Q, P237Q, P258Q.
Identifiers: ClinVar variation 367717 (VCV000367717.7), dbSNP rs778585528, ClinGen allele CA10492690.